The following is an entry in ClinVar:

NM_001003800.2(BICD2):c.754G>A (p.Glu252Lys)

Gene: BICD2 (BICD cargo adaptor 2; minus strand). Cytogenetic location: 9q22.31.
Variant type: single nucleotide variant.
Coding change: c.754G>A on transcript NM_001003800.2 (MANE Select); coding-DNA position 754, G replaced by A.
Protein change: p.Glu252Lys; replaces glutamic acid 252 with lysine.
Molecular consequence: missense variant.
Genome position (GRCh38, 1-based): chr9:92,720,608, C>T on the plus strand (G>A on the coding strand, the complement: BICD2 is on the minus strand). VCF-style: chr9-92720608-C-T. GRCh37 (hg19) VCF-style: chr9-95482890-C-T.
Other names: c.754G>A, p.Glu252Lys (NM_015250.4); short protein forms E252K.
Identifiers: ClinVar variation 617992 (VCV000617992.9), dbSNP rs776953074, ClinGen allele CA5126728.

ClinVar aggregate classification (germline): Uncertain significance (1 of 4 stars; one submission).

Allele frequency attached by ClinVar (database versions not stated): gnomAD exomes below 0.00001; ExAC 0.00001.
gnomAD v4.1: 6 of 1,614,160 alleles (0.00037%); highest among the groups gnomAD compares: South Asian, 0.0022%; no homozygotes.

Submission:

ARUP Laboratories, Molecular Genetics and Genomics, ARUP Laboratories
Classification: Uncertain significance. Last evaluated: 2018-05-13. Review status: criteria provided, single submitter. Criteria: ARUP Molecular Germline Variant Investigation Process. Collection method: clinical testing. Allele origin: germline.
Comment: The p.Glu252Lys variant (rs776953074) has not been reported in the medical literature, gene specific variation databases, nor has it been previously identified by our laboratory. It is absent from general population databases such as 1000 Genomes, NHLBI GO Exome Sequencing Project (ESP), and the Genome Aggregation Database (gnomAD) browser. The glutamic acid at position 252 is highly conserved up to fruitfly considering 14 species (Alamut v2.11) and computational analyses of the effects of the p.Glu252Lys variant on protein structure and function provide conflicting results (SIFT: tolerated, PolyPhen-2: probably damaging). Altogether, there is not enough evidence to classify the p.Glu252Lys variant with certainty.